The following is an entry in ClinVar:

NM_001127198.5(TMC6):c.1383+5G>A

Gene: TMC6 (transmembrane channel like 6; minus strand). Cytogenetic location: 17q25.3.
Variant type: single nucleotide variant.
Coding change: c.1383+5G>A on transcript NM_001127198.5 (MANE Select); 5 bases into the intron after coding-DNA position 1383, G replaced by A.
Molecular consequence: intron variant.
Genome position (GRCh38, 1-based): chr17:78,121,551, C>T on the plus strand (G>A on the coding strand, the complement: TMC6 is on the minus strand). VCF-style: chr17-78121551-C-T. GRCh37 (hg19) VCF-style: chr17-76117632-C-T.
Other names: c.1383+5G>A (NM_001374594.1, NM_001374596.1, NM_001374593.1 and 4 more transcripts).
Identifiers: ClinVar variation 1003012 (VCV001003012.4), dbSNP rs1187013001, ClinGen allele CA986561055.

ClinVar aggregate classification (germline): Uncertain significance (1 of 4 stars; one submission).

Conditions:
Epidermodysplasia verruciformis. Identifiers: Orphanet 302, MedGen C0014522, MONDO:0009176.

Allele frequency attached by ClinVar (database versions not stated): gnomAD below 0.00001 and 0.00001; TOPMed below 0.00001.
gnomAD v4.1: 10 of 1,610,988 alleles (0.00062%); highest among the groups gnomAD compares: South Asian, 0.0011%; no homozygotes.

Submission:

Labcorp Genetics (formerly Invitae), Labcorp
Classification: Uncertain significance for Epidermodysplasia verruciformis. Last evaluated: 2022-01-14. Review status: criteria provided, single submitter. Criteria: Invitae Variant Classification Sherloc (09022015). Collection method: clinical testing. Allele origin: germline.
Comment: This sequence change falls in intron 11 of the TMC6 gene. It does not directly change the encoded amino acid sequence of the TMC6 protein. It affects a nucleotide within the consensus splice site. This variant is not present in population databases (gnomAD no frequency). This variant has not been reported in the literature in individuals affected with TMC6-related conditions. ClinVar contains an entry for this variant (Variation ID: 1003012). Variants that disrupt the consensus splice site are a relatively common cause of aberrant splicing (PMID: 17576681, 9536098). Experimental studies and prediction algorithms are not available or were not evaluated, and the effect of this variant on mRNA splicing is currently unknown. In summary, the available evidence is currently insufficient to determine the role of this variant in disease. Therefore, it has been classified as a Variant of Uncertain Significance.

Literature cited by the submitters: PubMed 17576681; PubMed 9536098.